The following is an entry in ClinVar:

NM_000222.3(KIT):c.2459A>C (p.Asp820Ala)

Gene: KIT (KIT proto-oncogene, receptor tyrosine kinase; plus strand). Cytogenetic location: 4q12.
Variant type: single nucleotide variant.
Coding change: c.2459A>C on transcript NM_000222.3 (MANE Select); coding-DNA position 2459, A replaced by C.
Protein change: p.Asp820Ala; replaces aspartic acid 820 with alanine.
Molecular consequence: missense variant.
Genome position (GRCh38, 1-based): chr4:54,733,167, A>C. VCF-style: chr4-54733167-A-C. GRCh37 (hg19) VCF-style: chr4-55599333-A-C.
Other names: c.2447A>C, p.Asp816Ala (NM_001093772.2, NM_001385292.1); c.2462A>C, p.Asp821Ala (NM_001385284.1); c.2456A>C, p.Asp819Ala (NM_001385285.1); c.2444A>C, p.Asp815Ala (NM_001385286.1); c.2450A>C, p.Asp817Ala (NM_001385288.1); c.2459A>C, p.Asp820Ala (NM_001385290.1); short protein forms D816A, D820A, D815A, D817A, D819A, D821A.
Identifiers: ClinVar variation 953798 (VCV000953798.10), dbSNP rs121913682, ClinGen allele CA356911952.
Genomic context (GRCh38, chr4:54,733,167, plus strand): 5'-TTACTCATGGTCGGATCACAAAGATTTGTGATTTTGGTCTAGCCAGAGACATCAAGAATG[A>C]TTCTAATTATGTGGTTAAAGGAAACGTGAGTACCCATTCTCTGCTTGACAGTCCTGCAAA-3'
Protein context (NP_000213.1, residues 810-830): DFGLARDIKN[Asp820Ala]SNYVVKGNAR

ClinVar aggregate classification (germline): Uncertain significance (1 of 4 stars; one submission).

Conditions:
Gastrointestinal stromal tumor. Also called: Gastrointestinal stromal tumor, somatic; Gastrointestinal stroma tumor. Identifiers: Orphanet 44890, MedGen C0238198, MeSH D046152, MONDO:0011719, OMIM 606764, HP:0100723.

Submission:

Labcorp Genetics (formerly Invitae), Labcorp
Classification: Uncertain significance for Gastrointestinal stromal tumor. Last evaluated: 2019-07-02. Review status: criteria provided, single submitter. Criteria: Invitae Variant Classification Sherloc (09022015). Collection method: clinical testing. Allele origin: germline.
Comment: This sequence change replaces aspartic acid with alanine at codon 820 of the KIT protein (p.Asp820Ala). The aspartic acid residue is highly conserved and there is a moderate physicochemical difference between aspartic acid and alanine. This variant is not present in population databases (ExAC no frequency). This variant has not been reported in the literature in individuals with KIT-related conditions. Algorithms developed to predict the effect of missense changes on protein structure and function (SIFT, PolyPhen-2, Align-GVGD) all suggest that this variant is likely to be disruptive, but these predictions have not been confirmed by published functional studies and their clinical significance is uncertain. This variant disrupts the p.Asp820 amino acid residue in KIT. Other variant(s) that disrupt this residue have been determined to be pathogenic (PMID: 11984533, 16327443). This suggests that this residue is clinically significant, and that variants that disrupt this residue are likely to be disease-causing. In summary, the available evidence is currently insufficient to determine the role of this variant in disease. Therefore, it has been classified as a Variant of Uncertain Significance.

Literature cited by the submitters: PubMed 11984533; PubMed 16327443.